The following is an entry in ClinVar:

ClinVar aggregate classification (germline): Uncertain significance. Review status: criteria provided, multiple submitters, no conflicts (2 of 4 stars). 2 submissions from 2 submitters: Uncertain significance (2). Last evaluated 2023-08-04.

Conditions:
Hereditary diffuse gastric adenocarcinoma (HDGC). Also called: DIFFUSE GASTRIC AND LOBULAR BREAST CANCER SYNDROME. Identifiers: Orphanet 26106, MedGen C1708349, MONDO:0007648, OMIM 137215.
Hereditary cancer-predisposing syndrome. Also called: Tumor predisposition; Neoplastic Syndromes, Hereditary; Hereditary Cancer Syndrome; Hereditary neoplastic syndrome. Identifiers: Orphanet 140162, MedGen C0027672, MeSH D009386, MONDO:0015356.

gnomAD v4.1: 2 of 1,612,834 alleles (0.00012%); highest among the groups gnomAD compares: South Asian, 0.0011%; no homozygotes.

Submissions (2):

Labcorp Genetics (formerly Invitae), Labcorp
Classification: Uncertain significance for Hereditary diffuse gastric adenocarcinoma. Last evaluated: 2023-08-04. Review status: criteria provided, single submitter. Criteria: Invitae Variant Classification Sherloc (09022015). Collection method: clinical testing. Allele origin: germline.
Comment: In summary, the available evidence is currently insufficient to determine the role of this variant in disease. Therefore, it has been classified as a Variant of Uncertain Significance. This sequence change replaces aspartic acid, which is acidic and polar, with histidine, which is basic and polar, at codon 644 of the CDH1 protein (p.Asp644His). This variant is not present in population databases (gnomAD no frequency). This variant has not been reported in the literature in individuals affected with CDH1-related conditions. ClinVar contains an entry for this variant (Variation ID: 1782884). An algorithm developed to predict the effect of missense changes on protein structure and function (PolyPhen-2) suggests that this variant is likely to be disruptive.

Ambry Genetics
Classification: Uncertain significance for Hereditary cancer-predisposing syndrome. Last evaluated: 2021-12-14. Review status: criteria provided, single submitter. Criteria: Ambry Variant Classification Scheme 2023. Collection method: clinical testing. Allele origin: germline.
Comment: The p.D644H variant (also known as c.1930G>C), located in coding exon 12 of the CDH1 gene, results from a G to C substitution at nucleotide position 1930. The aspartic acid at codon 644 is replaced by histidine, an amino acid with similar properties. This amino acid position is well conserved in available vertebrate species. In addition, this alteration is predicted to be tolerated by in silico analysis. Since supporting evidence is limited at this time, the clinical significance of this alteration remains unclear.

NM_004360.5(CDH1):c.1930G>C (p.Asp644His)

Gene: CDH1 (cadherin 1; plus strand). Cytogenetic location: 16q22.1.
Variant type: single nucleotide variant.
Coding change: c.1930G>C on transcript NM_004360.5 (MANE Select); coding-DNA position 1930, G replaced by C.
Protein change: p.Asp644His; replaces aspartic acid 644 with histidine.
Molecular consequence: missense variant. On other transcripts: 5 prime UTR variant (1).
Genome position (GRCh38, 1-based): chr16:68,822,219, G>C. VCF-style: chr16-68822219-G-C. GRCh37 (hg19) VCF-style: chr16-68856122-G-C.
Other names: c.1747G>C, p.Asp583His (NM_001317184.2); c.382G>C, p.Asp128His (NM_001317185.2); c.-36G>C (NM_001317186.2); short protein forms D128H, D644H, D583H.
Identifiers: ClinVar variation 1782884 (VCV001782884.7), dbSNP rs587781696, ClinGen allele CA8130164.